The following is an entry in ClinVar:

ClinVar aggregate classification (germline): Uncertain significance (1 of 4 stars; one submission).

Conditions:
Inborn genetic diseases. Identifiers: MedGen C0950123, MeSH D030342.

Submission:

Ambry Genetics
Classification: Uncertain significance for Inborn genetic diseases. Last evaluated: 2025-07-10. Review status: criteria provided, single submitter. Criteria: Ambry Variant Classification Scheme 2023. Collection method: clinical testing. Allele origin: germline.
Comment: The p.K257M variant (also known as c.770A>T), located in coding exon 1 of the SAMD9L gene, results from an A to T substitution at nucleotide position 770. The lysine at codon 257 is replaced by methionine, an amino acid with similar properties. This amino acid position is conserved. In addition, this alteration is predicted to be tolerated by in silico analysis. Based on the available evidence, the clinical significance of this variant remains unclear.

NM_152703.5(SAMD9L):c.770A>T (p.Lys257Met)

Gene: SAMD9L (sterile alpha motif domain containing 9 like; minus strand). Cytogenetic location: 7q21.2.
Variant type: single nucleotide variant.
Coding change: c.770A>T on transcript NM_152703.5 (MANE Select); coding-DNA position 770, A replaced by T.
Protein change: p.Lys257Met; replaces lysine 257 with methionine.
Molecular consequence: missense variant.
Genome position (GRCh38, 1-based): chr7:93,135,202, T>A on the plus strand (A>T on the coding strand, the complement: SAMD9L is on the minus strand). VCF-style: chr7-93135202-T-A. GRCh37 (hg19) VCF-style: chr7-92764515-T-A.
Other names: c.770A>T, p.Lys257Met (NM_001303496.3, NM_001303497.3, NM_001303498.3 and 5 more transcripts); short protein forms K257M.
Identifiers: ClinVar variation 4159318 (VCV004159318.1).